The following is an entry in ClinVar:

ClinVar aggregate classification (germline): Uncertain significance (1 of 4 stars; one submission).

Conditions:
Hypertrophic cardiomyopathy. Also called: HYPERTROPHIC MYOCARDIOPATHY. Identifiers: Orphanet 217569, MedGen C0007194, MeSH D002312, MONDO:0005045, HP:0001639.

gnomAD v4.1: 1 of 1,614,156 alleles (0.000062%); no homozygotes.

Submission:

Labcorp Genetics (formerly Invitae), Labcorp
Classification: Uncertain significance for Hypertrophic cardiomyopathy. Last evaluated: 2022-07-19. Review status: criteria provided, single submitter. Criteria: Invitae Variant Classification Sherloc (09022015). Collection method: clinical testing. Allele origin: germline.
Comment: In summary, the available evidence is currently insufficient to determine the role of this variant in disease. Therefore, it has been classified as a Variant of Uncertain Significance. Algorithms developed to predict the effect of missense changes on protein structure and function (SIFT, PolyPhen-2, Align-GVGD) all suggest that this variant is likely to be tolerated. ClinVar contains an entry for this variant (Variation ID: 454422). This variant has not been reported in the literature in individuals affected with TPM1-related conditions. This variant is not present in population databases (gnomAD no frequency). This sequence change replaces isoleucine, which is neutral and non-polar, with valine, which is neutral and non-polar, at codon 270 of the TPM1 protein (p.Ile270Val).

NM_001018005.2(TPM1):c.808A>G (p.Ile270Val)

Gene: TPM1 (tropomyosin 1; plus strand). Cytogenetic location: 15q22.2.
Variant type: single nucleotide variant.
Coding change: c.808A>G on transcript NM_001018005.2 (MANE Select); coding-DNA position 808, A replaced by G.
Protein change: p.Ile270Val; replaces isoleucine 270 with valine.
Molecular consequence: missense variant. On other transcripts: intron variant (12).
Genome position (GRCh38, 1-based): chr15:63,064,099, A>G. VCF-style: chr15-63064099-A-G. GRCh37 (hg19) VCF-style: chr15-63356298-A-G.
Other names: c.808A>G, p.Ile270Val (NM_000366.6, NM_001301244.2, NM_001365779.1); c.700A>G, p.Ile234Val (NM_001330346.2, NM_001365781.2, NM_001365782.1); c.898+1454A>G (NM_001365778.1); c.772+1454A>G (NM_001018020.2, NM_001018007.2, NM_001018006.2 and 3 more transcripts); c.664+1454A>G (NM_001330351.2, NM_001330344.2, NM_001018008.2 and 2 more transcripts); short protein forms I270V, I234V.
Identifiers: ClinVar variation 454422 (VCV000454422.10), dbSNP rs1555410445, ClinGen allele CA392725139.